The following is an entry in ClinVar:

ClinVar aggregate classification (germline): Conflicting classifications of pathogenicity. Review status: criteria provided, conflicting classifications (1 of 4 stars). 3 submissions from 3 submitters: Likely pathogenic (2); Uncertain significance (1). Last evaluated 2025-12-27.

Conditions:
Werner syndrome (WRN). Identifiers: Orphanet 902, MedGen C0043119, MONDO:0010196, OMIM 277700.

gnomAD v4.1: 2 of 1,613,286 alleles (0.00012%); highest among the groups gnomAD compares: East Asian, 0.0022%; no homozygotes.

Submissions (3):

Labcorp Genetics (formerly Invitae), Labcorp
Classification: Likely pathogenic for Werner syndrome. Last evaluated: 2025-12-27. Review status: criteria provided, single submitter. Criteria: Invitae Variant Classification Sherloc (09022015). Collection method: clinical testing. Allele origin: germline.
Comment: This sequence change affects a donor splice site in intron 32 of the WRN gene. It is expected to disrupt RNA splicing. Variants that disrupt the donor or acceptor splice site typically lead to a loss of protein function (PMID: 16199547), and loss-of-function variants in WRN are known to be pathogenic (PMID: 16673358). This variant is not present in population databases (gnomAD no frequency). This variant has not been reported in the literature in individuals affected with WRN-related conditions. ClinVar contains an entry for this variant (Variation ID: 963847). Algorithms developed to predict the effect of sequence changes on RNA splicing suggest that this variant may disrupt the consensus splice site. In summary, the currently available evidence indicates that the variant is pathogenic, but additional data are needed to prove that conclusively. Therefore, this variant has been classified as Likely Pathogenic.

Fulgent Genetics
Classification: Likely pathogenic for Werner syndrome. Last evaluated: 2024-01-04. Review status: criteria provided, single submitter. Criteria: ACMG Guidelines, 2015. Collection method: clinical testing. Allele origin: germline.

Baylor Genetics
Classification: Uncertain significance for Werner syndrome. Last evaluated: 2021-12-02. Review status: criteria provided, single submitter. Criteria: ACMG Guidelines, 2015. Collection method: clinical testing. Allele origin: unknown.

Literature cited by the submitters: PubMed 16199547 (cited by Labcorp Genetics (formerly Invitae), Labcorp); PubMed 16673358 (cited by Labcorp Genetics (formerly Invitae), Labcorp).

NM_000553.6(WRN):c.3819+1G>C

Gene: WRN (WRN RecQ like helicase; plus strand). Cytogenetic location: 8p12.
Variant type: single nucleotide variant.
Coding change: c.3819+1G>C on transcript NM_000553.6 (MANE Select); the canonical splice donor site of the intron after coding-DNA position 3819, G replaced by C.
Molecular consequence: splice donor variant.
Genome position (GRCh38, 1-based): chr8:31,154,756, G>C. VCF-style: chr8-31154756-G-C. GRCh37 (hg19) VCF-style: chr8-31012272-G-C.
Identifiers: ClinVar variation 963847 (VCV000963847.9), dbSNP rs748618811, ClinGen allele CA370929259.